The following is an entry in ClinVar:

NM_006206.6(PDGFRA):c.2449C>T (p.Arg817Cys)

Gene: PDGFRA (platelet derived growth factor receptor alpha; plus strand). Cytogenetic location: 4q12.
Variant type: single nucleotide variant.
Coding change: c.2449C>T on transcript NM_006206.6 (MANE Select); coding-DNA position 2449, C replaced by T.
Protein change: p.Arg817Cys; replaces arginine 817 with cysteine.
Molecular consequence: missense variant.
Genome position (GRCh38, 1-based): chr4:54,285,850, C>T. VCF-style: chr4-54285850-C-T. GRCh37 (hg19) VCF-style: chr4-55152017-C-T.
Other names: c.2524C>T, p.Arg842Cys (NM_001347828.2); c.2449C>T, p.Arg817Cys (NM_001347829.2); c.2488C>T, p.Arg830Cys (NM_001347830.2); short protein forms R842C, R830C, R817C.
Identifiers: ClinVar variation 651490 (VCV000651490.14), dbSNP rs776099721, ClinGen allele CA2922872.

ClinVar aggregate classification (germline): Conflicting classifications of pathogenicity. Review status: criteria provided, conflicting classifications (1 of 4 stars). 4 submissions from 4 submitters: Uncertain significance (2); Likely benign (2). Last evaluated 2026-06-15.

Conditions:
Gastrointestinal stromal tumor. Also called: Gastrointestinal stromal tumor, somatic; Gastrointestinal stroma tumor. Identifiers: Orphanet 44890, MedGen C0238198, MeSH D046152, MONDO:0011719, OMIM 606764, HP:0100723.
Hereditary cancer-predisposing syndrome. Also called: Neoplastic Syndromes, Hereditary; Tumor predisposition; Hereditary Cancer Syndrome; Hereditary neoplastic syndrome. Identifiers: Orphanet 140162, MedGen C0027672, MeSH D009386, MONDO:0015356.
Polyps, multiple and recurrent inflammatory fibroid, gastrointestinal. Identifiers: MedGen C5193005, MONDO:0008285, OMIM 175510.

Allele frequency attached by ClinVar (database versions not stated): ExAC 0.00001; gnomAD 0.00001; gnomAD exomes 0.00001 and 0.00002; TOPMed 0.00001.
gnomAD v4.1: 9 of 1,613,956 alleles (0.00056%); highest among the groups gnomAD compares: Non-Finnish European, 0.00068%; no homozygotes.

Submissions (4):

Myriad Genetics, Inc.
Classification: Likely benign for Polyps, multiple and recurrent inflammatory fibroid, gastrointestinal. Last evaluated: 2026-06-15. Review status: criteria provided, single submitter. Criteria: Myriad Autosomal Dominant, Autosomal Recessive and X-Linked Classification Criteria (2023). Collection method: clinical testing. Allele origin: unknown.
Comment: This variant is considered likely benign. This variant has been observed at a population frequency that is significantly greater than expected given the associated disease prevalence and penetrance.

Labcorp Genetics (formerly Invitae), Labcorp
Classification: Uncertain significance for Gastrointestinal stromal tumor. Last evaluated: 2025-10-13. Review status: criteria provided, single submitter. Criteria: Invitae Variant Classification Sherloc (09022015). Collection method: clinical testing. Allele origin: germline.
Comment: This sequence change replaces arginine, which is basic and polar, with cysteine, which is neutral and slightly polar, at codon 817 of the PDGFRA protein (p.Arg817Cys). This variant is present in population databases (rs776099721, gnomAD 0.004%). This variant has not been reported in the literature in individuals affected with PDGFRA-related conditions. ClinVar contains an entry for this variant (Variation ID: 651490). Invitae Evidence Modeling of protein sequence and biophysical properties (such as structural, functional, and spatial information, amino acid conservation, physicochemical variation, residue mobility, and thermodynamic stability) has been performed for this missense variant. However, the output from this modeling did not meet the statistical confidence thresholds required to predict the impact of this variant on PDGFRA protein function. In summary, the available evidence is currently insufficient to determine the role of this variant in disease. Therefore, it has been classified as a Variant of Uncertain Significance.

Baylor Genetics
Classification: Uncertain significance for Polyps, multiple and recurrent inflammatory fibroid, gastrointestinal. Last evaluated: 2023-07-13. Review status: criteria provided, single submitter. Criteria: ACMG Guidelines, 2015. Collection method: clinical testing. Allele origin: unknown.

Ambry Genetics
Classification: Likely benign for Hereditary cancer-predisposing syndrome. Last evaluated: 2023-06-06. Review status: criteria provided, single submitter. Criteria: Ambry Variant Classification Scheme 2023. Collection method: clinical testing. Allele origin: germline.